The following is an entry in ClinVar:

ClinVar aggregate classification (germline): Conflicting classifications of pathogenicity. Review status: criteria provided, conflicting classifications (1 of 4 stars). 12 submissions from 11 submitters: Uncertain significance (7); Likely benign (4). 1 of the submissions does not count toward it. Last evaluated 2026-01-01.

Conditions:
SETX-related disorder. Also called: SETX-related disorders; SETX-related condition. Identifiers: MedGen CN239403.
Inborn genetic diseases. Identifiers: MedGen C0950123, MeSH D030342.
Hereditary spastic paraplegia. Also called: Familial spastic paraparesis. Identifiers: Orphanet 685, MedGen C0037773, MONDO:0019064. Disease mechanism: loss of function.
Amyotrophic lateral sclerosis type 4 (ALS4). Also called: AMYOTROPHIC LATERAL SCLEROSIS 4, JUVENILE; NEURONOPATHY, DISTAL HEREDITARY MOTOR, WITH PYRAMIDAL FEATURES. Identifiers: Orphanet 357043, MedGen C1865409, MONDO:0011223, OMIM 602433.
Spinocerebellar ataxia, autosomal recessive, with axonal neuropathy 2 (SCAN2). Also called: Ataxia with Oculomotor Apraxia; Ataxia-ocular apraxia-2; Ataxia with Oculomotor Apraxia Type 2; ATAXIA-OCULOMOTOR APRAXIA 2. Identifiers: Orphanet 64753, MedGen C1853761, MONDO:0018996, OMIM 606002.

Allele frequency attached by ClinVar (database versions not stated): TOPMed 0.00062; ESP Exome Variant Server 0.00069; gnomAD exomes 0.00075 and 0.00128; gnomAD 0.00076 and 0.00078; ExAC 0.00087.
gnomAD v4.1: 1,972 of 1,613,814 alleles (0.12%); highest among the groups gnomAD compares: Non-Finnish European, 0.15%; 4 homozygotes.

Submissions (14):

CeGaT Center for Human Genetics Tuebingen
Classification: Likely benign. Last evaluated: 2026-01-01. Review status: criteria provided, single submitter. Criteria: CeGaT Center For Human Genetics Tuebingen Variant Classification Criteria Version 2. Collection method: clinical testing. Allele origin: germline. Affected: yes. Observed: 4 variant alleles.
Comment: SETX: BP4

Labcorp Genetics (formerly Invitae), Labcorp
Classification: Uncertain significance for Amyotrophic lateral sclerosis type 4; Spinocerebellar ataxia, autosomal recessive, with axonal neuropathy 2. Last evaluated: 2025-12-24. Review status: criteria provided, single submitter. Criteria: Invitae Variant Classification Sherloc (09022015). Collection method: clinical testing. Allele origin: germline.
Comment: This sequence change falls in intron 14 of the SETX gene. It does not directly change the encoded amino acid sequence of the SETX protein. It affects a nucleotide within the consensus splice site. This variant is present in population databases (rs374656811, gnomAD 0.1%), and has an allele count higher than expected for a pathogenic variant. This variant has not been reported in the literature in individuals affected with SETX-related conditions. ClinVar contains an entry for this variant (Variation ID: 488730). Variants that disrupt the consensus splice site are a relatively common cause of aberrant splicing (PMID: 17576681, 9536098). Algorithms developed to predict the effect of sequence changes on RNA splicing suggest that this variant may create or strengthen a splice site. In summary, the available evidence is currently insufficient to determine the role of this variant in disease. Therefore, it has been classified as a Variant of Uncertain Significance.

GeneDx
Classification: Uncertain significance. Last evaluated: 2025-10-14. Review status: criteria provided, single submitter. Criteria: GeneDx Variant Classification Process June 2021. Collection method: clinical testing. Allele origin: germline. Affected: yes.
Comment: Has not been previously published as pathogenic or benign to our knowledge; In silico analysis supports a deleterious effect on splicing

Women's Health and Genetics/Laboratory Corporation of America, LabCorp
Classification: Likely benign. Last evaluated: 2024-12-16. Review status: criteria provided, single submitter. Criteria: LabCorp Variant Classification Summary - May 2015. Collection method: clinical testing. Allele origin: germline.
Comment: Variant summary: SETX c.5949+5G>A alters a conserved nucleotide located close to a canonical splice site and therefore could affect mRNA splicing, leading to a significantly altered protein sequence. Several computational tools predict a significant impact on normal splicing: One predicts the variant abolishes a 5' splicing donor site, two predict the variant weakens a 5' donor site, and one predicts no impact on splicing. Two tools also predict the variant abolishes a cryptic 5' donor site. However, these predictions have yet to be confirmed by functional studies. The variant allele was found at a frequency of 0.0012 in 1613814 control chromosomes, predominantly at a frequency of 0.0015 within the Non-Finnish European subpopulation in the gnomAD database, including 3 homozygotes. The observed variant frequency within Non-Finnish European control individuals in the gnomAD database is approximately equal to the estimated maximal expected allele frequency for a pathogenic variant in SETX causing autosomal recessive spinocerebellar ataxia with axonal neuropathy 2 (0.0012). To our knowledge, no occurrence of c.5949+5G>A in individuals affected with autosomal recessive spinocerebellar ataxia with axonal neuropathy and no experimental evidence demonstrating its impact on protein function have been reported. ClinVar contains an entry for this variant (Variation ID: 488730). Based on the evidence outlined above, the variant was classified as likely benign.

Mayo Clinic Laboratories, Mayo Clinic
Classification: Uncertain significance. Last evaluated: 2024-08-27. Review status: criteria provided, single submitter. Criteria: ACMG Guidelines, 2015. Collection method: clinical testing. Allele origin: germline. Observed: 3 variant alleles.
Comment: BS1

ARUP Laboratories, Molecular Genetics and Genomics, ARUP Laboratories
Classification: Uncertain significance. Last evaluated: 2023-10-18. Review status: criteria provided, single submitter. Criteria: ARUP Molecular Germline Variant Investigation Process 2024. Collection method: clinical testing. Allele origin: germline.
Comment: The SETX c.5949+5G>A variant (rs374656811), to our knowledge, is not reported in the medical literature but is reported in ClinVar (Variation ID: 488730). This variant is found in the non-Finnish European population with an overall allele frequency of 0.13% (174/129164 alleles) in the Genome Aggregation Database. This is an intronic variant in a moderately conserved nucleotide, and computational analyses (Alamut v.2.11) predict that this variant may impact splicing by weakening the nearby canonical donor splice site, although RNA studies would be required to confirm this. Given the lack of clinical and functional data, the significance of the c.5949+5G>A variant is uncertain at this time.

Ambry Genetics
Classification: Uncertain significance for Inborn genetic diseases. Last evaluated: 2022-04-26. Review status: criteria provided, single submitter. Criteria: Ambry Variant Classification Scheme 2023. Collection method: clinical testing. Allele origin: germline.
Comment: The c.5949+5G>A intronic variant results from a G to A substitution 5 nucleotides after coding exon 12 in the SETX gene. This nucleotide position is highly conserved in available vertebrate species. In silico splice site analysis predicts that this alteration will result in the creation or strengthening of a novel splice donor site. Based on the supporting evidence, this variant is unlikely to be causative of juvenile amyotrophic lateral sclerosis 4 (ALS4); however, its contribution to the development of spinocerebellar ataxia with axonal neuropathy 2 (SCAN2) is uncertain.

Athena Diagnostics
Classification: Likely benign. Last evaluated: 2020-08-24. Review status: criteria provided, single submitter. Criteria: Athena Diagnostics criteria. Collection method: clinical testing. Allele origin: unknown.

Illumina Laboratory Services, Illumina
Classification: Likely benign for Amyotrophic lateral sclerosis type 4. Last evaluated: 2018-01-12. Review status: criteria provided, single submitter. Criteria: ICSL Variant Classification Criteria 13 December 2019. Collection method: clinical testing. Allele origin: germline.
Comment: This variant was observed in the ICSL laboratory as part of a predisposition screen in an ostensibly healthy population. It had not been previously curated by ICSL or reported in the Human Gene Mutation Database (HGMD: prior to June 1st, 2018), and was therefore a candidate for classification through an automated scoring system. Utilizing variant allele frequency, disease prevalence and penetrance estimates, and inheritance mode, an automated score was calculated to assess if this variant is too frequent to cause the disease. Based on the score and internal cut-off values, a variant classified as likely benign is not then subjected to further curation. The score for this variant resulted in a classification of likely benign for this disease.

Illumina Laboratory Services, Illumina
Classification: Uncertain significance for Spinocerebellar ataxia, autosomal recessive, with axonal neuropathy 2. Last evaluated: 2018-01-12. Review status: criteria provided, single submitter. Criteria: ICSL Variant Classification Criteria 13 December 2019. Collection method: clinical testing. Allele origin: germline.

Genome Diagnostics Laboratory, The Hospital for Sick Children
Classification: Uncertain significance for Hereditary spastic paraplegia. Last evaluated: 2017-07-17. Review status: criteria provided, single submitter. Criteria: ACMG Guidelines, 2015. Collection method: clinical testing. Allele origin: germline. Affected: yes.

PreventionGenetics, part of Exact Sciences
Classification: Likely benign for SETX-related condition. Last evaluated: 2022-05-20. Review status: no assertion criteria provided. Collection method: clinical testing. Allele origin: germline. Not counted in ClinVar's aggregate classification.
Comment: This variant is classified as likely benign based on ACMG/AMP sequence variant interpretation guidelines (Richards et al. 2015 PMID: 25741868, with internal and published modifications).

Dr. Peter K. Rogan Lab, Western University
No classification provided (evidence only). Condition: Familial cancer of breast. Review status: no classification provided. Collection method: in vitro. Allele origin: not applicable. Functional consequence: retained intron. Not counted in ClinVar's aggregate classification.

Dr. Peter K. Rogan Lab, Western University
No classification provided (evidence only). Condition: Ovarian serous cystadenocarcinoma. Review status: no classification provided. Collection method: in vitro. Allele origin: not applicable. Functional consequence: retained intron. Not counted in ClinVar's aggregate classification.

Literature cited by the submitters: PubMed 17576681 (cited by Labcorp Genetics (formerly Invitae), Labcorp); PubMed 9536098 (cited by Labcorp Genetics (formerly Invitae), Labcorp).

NM_015046.7(SETX):c.5949+5G>A

Gene: SETX (senataxin; minus strand). Cytogenetic location: 9q34.13.
Variant type: single nucleotide variant.
Coding change: c.5949+5G>A on transcript NM_015046.7 (MANE Select); 5 bases into the intron after coding-DNA position 5949, G replaced by A.
Molecular consequence: intron variant.
Genome position (GRCh38, 1-based): chr9:132,296,882, C>T on the plus strand (G>A on the coding strand, the complement: SETX is on the minus strand). VCF-style: chr9-132296882-C-T. GRCh37 (hg19) VCF-style: chr9-135172269-C-T.
Other names: c.5949+5G>A (NM_001351528.2, NM_001351527.2).
Identifiers: ClinVar variation 488730 (VCV000488730.105), dbSNP rs374656811, ClinGen allele CA5296870.